The following is an entry in ClinVar:

NM_001018115.3(FANCD2):c.283G>T (p.Glu95Ter)

Genes: FANCD2 (FA complementation group D2; plus strand), LOC107303338 (3p25 FANCD2 Alu-mediated recombination region; plus strand). Cytogenetic location: 3p25.3.
Variant type: single nucleotide variant.
Coding change: c.283G>T on transcript NM_001018115.3 (MANE Select); coding-DNA position 283, G replaced by T.
Protein change: p.Glu95Ter; replaces glutamic acid 95 with a stop codon.
Molecular consequence: nonsense.
Genome position (GRCh38, 1-based): chr3:10,034,704, G>T. VCF-style: chr3-10034704-G-T. GRCh37 (hg19) VCF-style: chr3-10076388-G-T.
Other names: c.283G>T, p.Glu95Ter (NM_001319984.2, NM_001374253.1, NM_001374254.1 and 2 more transcripts); short protein forms E95*.
Identifiers: ClinVar variation 2891102 (VCV002891102.3), dbSNP rs1004943548, ClinGen allele CA70022052.

ClinVar aggregate classification (germline): Pathogenic (1 of 4 stars; one submission).

Conditions:
Fanconi anemia (FA). Also called: Fanconi's anemia. Identifiers: Orphanet 84, MedGen C0015625, MeSH D005199, MONDO:0019391.

Allele frequency attached by ClinVar (database versions not stated): TOPMed below 0.00001.
gnomAD v4.1: 2 of 1,562,152 alleles (0.00013%); highest among the groups gnomAD compares: Non-Finnish European, 0.00017%; no homozygotes.

Submission:

Labcorp Genetics (formerly Invitae), Labcorp
Classification: Pathogenic for Fanconi anemia. Last evaluated: 2024-08-31. Review status: criteria provided, single submitter. Criteria: Invitae Variant Classification Sherloc (09022015). Collection method: clinical testing. Allele origin: germline.
Comment: This sequence change creates a premature translational stop signal (p.Glu95*) in the FANCD2 gene. It is expected to result in an absent or disrupted protein product. Loss-of-function variants in FANCD2 are known to be pathogenic (PMID: 17436244). This variant is not present in population databases (gnomAD no frequency). This variant has not been reported in the literature in individuals affected with FANCD2-related conditions. Algorithms developed to predict the effect of sequence changes on RNA splicing suggest that this variant may disrupt the consensus splice site. For these reasons, this variant has been classified as Pathogenic.

Literature cited by the submitters: PubMed 17436244.